The following is an entry in ClinVar:

ClinVar aggregate classification (germline): Conflicting classifications of pathogenicity. Review status: criteria provided, conflicting classifications (1 of 4 stars). 2 submissions from 2 submitters: Uncertain significance (1); Likely benign (1). Last evaluated 2025-08-02.

Conditions:
Inborn genetic diseases. Identifiers: MedGen C0950123, MeSH D030342.

Allele frequency attached by ClinVar (database versions not stated): TOPMed below 0.00001; gnomAD exomes 0.00001.

Submissions (2):

Ambry Genetics
Classification: Likely benign for Inborn genetic diseases. Last evaluated: 2025-08-02. Review status: criteria provided, single submitter. Criteria: Ambry Variant Classification Scheme 2023. Collection method: clinical testing. Allele origin: germline.

GeneDx
Classification: Uncertain significance. Last evaluated: 2023-03-20. Review status: criteria provided, single submitter. Criteria: GeneDx Variant Classification Process June 2021. Collection method: clinical testing. Allele origin: germline. Affected: yes.
Comment: Not observed at significant frequency in large population cohorts (gnomAD); In silico analysis supports that this missense variant does not alter protein structure/function; Has not been previously published as pathogenic or benign to our knowledge

NM_004667.6(HERC2):c.5884A>G (p.Met1962Val)

Gene: HERC2 (HECT and RLD domain containing E3 ubiquitin protein ligase 2; minus strand). Cytogenetic location: 15q13.1.
Variant type: single nucleotide variant.
Coding change: c.5884A>G on transcript NM_004667.6 (MANE Select); coding-DNA position 5884, A replaced by G.
Protein change: p.Met1962Val; replaces methionine 1962 with valine.
Molecular consequence: missense variant.
Genome position (GRCh38, 1-based): chr15:28,218,633, T>C on the plus strand (A>G on the coding strand, the complement: HERC2 is on the minus strand). VCF-style: chr15-28218633-T-C. GRCh37 (hg19) VCF-style: chr15-28463779-T-C.
Other names: c.5884A>G (NM_004667.4); short protein forms M1962V.
Identifiers: ClinVar variation 2580413 (VCV002580413.2), dbSNP rs1385335623, ClinGen allele CA391404861.